The following is an entry in ClinVar:

NM_001349338.3(FOXP1):c.1168A>T (p.Thr390Ser)

Gene: FOXP1 (forkhead box P1; minus strand). Cytogenetic location: 3p13.
Variant type: single nucleotide variant.
Coding change: c.1168A>T on transcript NM_001349338.3 (MANE Select); coding-DNA position 1168, A replaced by T.
Protein change: p.Thr390Ser; replaces threonine 390 with serine.
Molecular consequence: missense variant. On other transcripts: non-coding transcript variant (2).
Genome position (GRCh38, 1-based): chr3:70,978,008, T>A on the plus strand (A>T on the coding strand, the complement: FOXP1 is on the minus strand). VCF-style: chr3-70978008-T-A. GRCh37 (hg19) VCF-style: chr3-71027159-T-A.
Other names: c.1168A>T, p.Thr390Ser (NM_001349340.3, NM_001244814.3, NM_001244816.2 and 4 more transcripts); c.1165A>T, p.Thr389Ser (NM_001349341.3); c.868A>T, p.Thr290Ser (NM_001244815.2, NM_001244813.3, NM_001349342.3 and 1 more transcripts); c.865A>T, p.Thr289Ser (NM_001349337.2, NM_001349343.3, NM_001349344.3); c.940A>T, p.Thr314Ser (NM_001244812.3); short protein forms T289S, T290S, T314S, T389S, T390S.
Identifiers: ClinVar variation 2635630 (VCV002635630.5), dbSNP rs761840006, ClinGen allele CA2491065.

ClinVar aggregate classification (germline): Uncertain significance. Review status: criteria provided, multiple submitters, no conflicts (2 of 4 stars). 3 submissions from 3 submitters: Uncertain significance (3). Last evaluated 2023-04-13.

Conditions:
FOXP1-related disorder. Also called: FOXP1-related condition.

Allele frequency attached by ClinVar (database versions not stated): ExAC 0.00001; gnomAD 0.00003; TOPMed 0.00003.
gnomAD v4.1: 47 of 1,613,496 alleles (0.0029%); highest among the groups gnomAD compares: Non-Finnish European, 0.0038%; no homozygotes.

Submissions (3):

PreventionGenetics, part of Exact Sciences
Classification: Uncertain significance for FOXP1-related condition. Last evaluated: 2023-04-13. Review status: criteria provided, single submitter. Criteria: ACMG Guidelines, 2015. Collection method: clinical testing. Allele origin: germline.
Comment: The FOXP1 c.1168A>T variant is predicted to result in the amino acid substitution p.Thr390Ser. This variant was reported to be maternally inherited from an apparently unaffected parent in an individual with intellectual disability (Horn. 2010. PubMed ID: 20848658). A different amino acid substitution at this position (c.1169C>T, p.Thr390Ile) has been reported to occur de novo in an individual with features of FOXP1-related disorders (Meerschaut et al 2017. PubMed ID: 28735298). This variant is reported in 0.0026% of alleles in individuals of European (Non-Finnish) descent in gnomAD. At this time, the clinical significance of this variant is uncertain due to the absence of conclusive functional and genetic evidence.

Labcorp Genetics (formerly Invitae), Labcorp
Classification: Uncertain significance. Last evaluated: 2022-10-27. Review status: criteria provided, single submitter. Criteria: Invitae Variant Classification Sherloc (09022015). Collection method: clinical testing. Allele origin: germline.
Comment: Advanced modeling of protein sequence and biophysical properties (such as structural, functional, and spatial information, amino acid conservation, physicochemical variation, residue mobility, and thermodynamic stability) performed at Invitae indicates that this missense variant is not expected to disrupt FOXP1 protein function. In summary, the available evidence is currently insufficient to determine the role of this variant in disease. Therefore, it has been classified as a Variant of Uncertain Significance. This missense change has been observed in individual(s) with FOXP1-related conditions (PMID: 20848658). This variant is present in population databases (rs761840006, gnomAD 0.003%). This sequence change replaces threonine, which is neutral and polar, with serine, which is neutral and polar, at codon 390 of the FOXP1 protein (p.Thr390Ser).

Clinical Genetics Laboratory, Skane University Hospital Lund
Classification: Uncertain significance. Last evaluated: 2022-06-22. Review status: criteria provided, single submitter. Criteria: ACMG Guidelines, 2015. Collection method: clinical testing. Allele origin: germline. Affected: yes.

Literature cited by the submitters: PubMed 20848658 (cited by Labcorp Genetics (formerly Invitae), Labcorp).